The following is an entry in ClinVar:

ClinVar aggregate classification (germline): Uncertain significance (1 of 4 stars; one submission).

Conditions:
Familial hemiplegic migraine. Identifiers: MedGen C0338484, MONDO:0000700.

Submission:

Labcorp Genetics (formerly Invitae), Labcorp
Classification: Uncertain significance for Familial hemiplegic migraine. Last evaluated: 2024-07-09. Review status: criteria provided, single submitter. Criteria: Invitae Variant Classification Sherloc (09022015). Collection method: clinical testing. Allele origin: germline.
Comment: This sequence change falls in intron 15 of the ATP1A2 gene. It does not directly change the encoded amino acid sequence of the ATP1A2 protein. This variant is not present in population databases (gnomAD no frequency). This variant has not been reported in the literature in individuals affected with ATP1A2-related conditions. Experimental studies and prediction algorithms are not available or were not evaluated, and the effect of this variant on mRNA splicing is currently unknown. In summary, the available evidence is currently insufficient to determine the role of this variant in disease. Therefore, it has been classified as a Variant of Uncertain Significance.

NM_000702.4(ATP1A2):c.2115+24_2115+49dup

Gene: ATP1A2 (ATPase Na+/K+ transporting subunit alpha 2; plus strand). Cytogenetic location: 1q23.2.
Variant type: Duplication.
Coding change: c.2115+24_2115+49dup on transcript NM_000702.4 (MANE Select); bases 24 to 49 of the intron after coding-DNA position 2115, 26 bases duplicated (ATGACAGGCAGGGACCGGGGAGGCAG).
Molecular consequence: intron variant.
Genome position (GRCh38, 1-based): chr1:160,135,319-160,135,344, ATGACAGGCAGGGACCGGGGAGGCAG duplicated; duplicating any 26 consecutive bases within chr1:160,135,310-160,135,344 gives the same sequence; the c. name uses the placement nearest the transcript's 3' end. VCF-style (leftmost placement, unchanged base first): chr1-160135309-C-CGGGAGGCAGATGACAGGCAGGGACCG. GRCh37 (hg19) VCF-style: chr1-160105099-C-CGGGAGGCAGATGACAGGCAGGGACCG.
Identifiers: ClinVar variation 3658399 (VCV003658399.2).